The following is an entry in ClinVar:

NM_203447.4(DOCK8):c.6254G>A (p.Arg2085Lys)

Gene: DOCK8 (dedicator of cytokinesis 8; plus strand). Cytogenetic location: 9p24.3.
Variant type: single nucleotide variant.
Coding change: c.6254G>A on transcript NM_203447.4 (MANE Select); coding-DNA position 6254, G replaced by A.
Protein change: p.Arg2085Lys; replaces arginine 2085 with lysine.
Molecular consequence: missense variant.
Genome position (GRCh38, 1-based): chr9:464,173, G>A. VCF-style: chr9-464173-G-A. GRCh37 (hg19) VCF-style: chr9-464173-G-A.
Other names: c.5954G>A, p.Arg1985Lys (NM_001190458.2); c.6050G>A, p.Arg2017Lys (NM_001193536.2); short protein forms R1985K, R2017K, R2085K.
Identifiers: ClinVar variation 1312314 (VCV001312314.2), dbSNP rs1322916600, ClinGen allele CA372751936.

ClinVar aggregate classification (germline): Uncertain significance (1 of 4 stars; one submission).

Allele frequency attached by ClinVar (database versions not stated): TOPMed below 0.00001; gnomAD exomes below 0.00001.
gnomAD v4.1: 2 of 1,613,758 alleles (0.00012%); highest among the groups gnomAD compares: Non-Finnish European, 0.00017%; no homozygotes.

Submission:

GeneDx
Classification: Uncertain significance. Last evaluated: 2020-01-24. Review status: criteria provided, single submitter. Criteria: GeneDx Variant Classification Process June 2021. Collection method: clinical testing. Allele origin: germline. Affected: yes.
Comment: Not observed at a significant frequency in large population cohorts (Lek et al., 2016); In silico analysis, which includes protein predictors and evolutionary conservation, supports that this variant does not alter protein structure/function; Has not been previously published as pathogenic or benign to our knowledge